The following is an entry in ClinVar:

ClinVar aggregate classification (germline): Likely pathogenic. Review status: criteria provided, multiple submitters, no conflicts (2 of 4 stars). 2 submissions from 2 submitters: Likely pathogenic (2). Last evaluated 2025-03-04.

Conditions:
Colorectal cancer, hereditary nonpolyposis, type 7. Identifiers: Orphanet 144, MedGen C1858380, MONDO:0013725, OMIM 614385.

Submissions (2):

Center for Genomic Medicine, Rigshospitalet, Copenhagen University Hospital
Classification: Likely pathogenic. Last evaluated: 2025-03-04. Review status: criteria provided, single submitter. Criteria: ACMG Guidelines, 2015. Collection method: clinical testing. Allele origin: germline.

Department of Clinical Genetics, Copenhagen University Hospital, Rigshospitalet
Classification: Likely pathogenic for Colorectal cancer, hereditary nonpolyposis, type 7. Last evaluated: 2025-01-10. Review status: criteria provided, single submitter. Criteria: ACMG Guidelines, 2015. Collection method: clinical testing. Allele origin: germline. Affected: yes.
Comment: The following ACMG criteria was used: PVS1; PM2_SUP

Literature cited by the submitters: PubMed 39789695 (cited by Department of Clinical Genetics, Copenhagen University Hospital, Rigshospitalet).

NM_001040108.2(MLH3):c.983_986del (p.Ile328fs)

Gene: MLH3 (mutL homolog 3; minus strand). Cytogenetic location: 14q24.3.
Variant type: Deletion.
Coding change: c.983_986del on transcript NM_001040108.2 (MANE Select); coding-DNA positions 983 to 986, 4 bases deleted (TTGA; older notation c.983_986delTTGA).
Protein change: p.Ile328fs; shifts the reading frame from isoleucine 328.
Molecular consequence: frameshift variant.
Genome position (GRCh38, 1-based): chr14:75,048,670-75,048,673, TCAA deleted on the plus strand (TTGA on the coding strand, the reverse complement: MLH3 is on the minus strand); deleting any 4 consecutive bases within chr14:75,048,670-75,048,676 gives the same sequence; the c. name uses the placement nearest the transcript's 3' end. VCF-style (leftmost placement, unchanged base first): chr14-75048669-TTCAA-T. GRCh37 (hg19) VCF-style: chr14-75515372-TTCAA-T.
Other names: c.983_986del, p.Ile328fs (NM_014381.3); c.983_986delTTGA (NM_001040108.2); short protein forms I328fs.
Identifiers: ClinVar variation 1802862 (VCV001802862.6), dbSNP rs2503307220, ClinGen allele CA2580088848.